The following is an entry in ClinVar:

NM_000057.4(BLM):c.3960dup (p.Val1321fs)

Gene: BLM (BLM RecQ like helicase; plus strand). Cytogenetic location: 15q26.1.
Variant type: Duplication.
Coding change: c.3960dup on transcript NM_000057.4 (MANE Select); coding-DNA position 3960, one base duplicated (C; older notation c.3960dupC).
Protein change: p.Val1321fs; shifts the reading frame from valine 1321.
Molecular consequence: frameshift variant.
Genome position (GRCh38, 1-based): chr15:90,811,290, C duplicated; the last of 3 consecutive C bases (chr15:90,811,288-90,811,290); duplicating any one gives the same sequence. VCF-style (leftmost placement, unchanged base first): chr15-90811287-A-AC. GRCh37 (hg19) VCF-style: chr15-91354517-A-AC.
Other names: c.3960dupC (NM_000057.3); c.3960dup, p.Val1321fs (NM_001287246.2); c.3567dup, p.Val1190fs (NM_001287247.2); c.2835dup, p.Val946fs (NM_001287248.2); short protein forms V1190fs, V946fs, V1321fs.
Identifiers: ClinVar variation 565336 (VCV000565336.7), dbSNP rs1567066891, ClinGen allele CA891843637.

ClinVar aggregate classification (germline): Pathogenic (1 of 4 stars; one submission).

Conditions:
Bloom syndrome (BLM). Also called: Bloom-Torre-Machacek syndrome. Identifiers: Orphanet 125, MedGen C0005859, MONDO:0008876, OMIM 210900.

Submission:

Labcorp Genetics (formerly Invitae), Labcorp
Classification: Pathogenic for Bloom syndrome. Last evaluated: 2018-04-28. Review status: criteria provided, single submitter. Criteria: Invitae Variant Classification Sherloc (09022015). Collection method: clinical testing. Allele origin: germline.
Comment: For these reasons, this variant has been classified as Pathogenic. Loss-of-function variants in BLM are known to be pathogenic (PMID: 17407155). This variant has not been reported in the literature in individuals with BLM-related disease. This variant is not present in population databases (ExAC no frequency). This sequence change creates a premature translational stop signal (p.Val1321Argfs*9) in the BLM gene. It is expected to result in an absent or disrupted protein product.

Literature cited by the submitters: PubMed 17407155.